The following is an entry in ClinVar:

NM_002055.5(GFAP):c.819G>C (p.Glu273Asp)

Gene: GFAP (glial fibrillary acidic protein; minus strand). Cytogenetic location: 17q21.31.
Variant type: single nucleotide variant.
Coding change: c.819G>C on transcript NM_002055.5 (MANE Select); coding-DNA position 819, G replaced by C.
Protein change: p.Glu273Asp; replaces glutamic acid 273 with aspartic acid.
Molecular consequence: missense variant.
Genome position (GRCh38, 1-based): chr17:44,911,759, C>G on the plus strand (G>C on the coding strand, the complement: GFAP is on the minus strand). VCF-style: chr17-44911759-C-G. GRCh37 (hg19) VCF-style: chr17-42989127-C-G.
Other names: c.819G>C (NM_002055.4); c.819G>C, p.Glu273Asp (NM_001131019.3, NM_001242376.3, NM_001363846.2); short protein forms E273D.
Identifiers: ClinVar variation 2048460 (VCV002048460.5), dbSNP rs1380362504, ClinGen allele CA399844700.
Genomic context (GRCh38, chr17:44,911,759, plus strand): 5'-GGTCAAGGACTGCAACTGGCGCCGGTAGTCGTTGGCTTCGTGCTTGGCCTGGCGGAGCAG[C>G]TCCGCGTTGCGGGCAGCAGCGTCTGTCAGGTCTGCAAACTAGGTGGGGGACACATATGGG-3'
Protein context (NP_002046.1, residues 263-283): DLTDAAARNA[Glu273Asp]LLRQAKHEAN

ClinVar aggregate classification (germline): Uncertain significance. Review status: criteria provided, multiple submitters, no conflicts (2 of 4 stars). 2 submissions from 2 submitters: Uncertain significance (2). Last evaluated 2025-12-16.

Conditions:
Inborn genetic diseases. Identifiers: MedGen C0950123, MeSH D030342.

Allele frequency attached by ClinVar (database versions not stated): gnomAD exomes below 0.00001.

Submissions (2):

Ambry Genetics
Classification: Uncertain significance for Inborn genetic diseases. Last evaluated: 2025-12-16. Review status: criteria provided, single submitter. Criteria: Ambry Variant Classification Scheme 2023. Collection method: clinical testing. Allele origin: germline.

Labcorp Genetics (formerly Invitae), Labcorp
Classification: Uncertain significance. Last evaluated: 2022-06-13. Review status: criteria provided, single submitter. Criteria: Invitae Variant Classification Sherloc (09022015). Collection method: clinical testing. Allele origin: germline.
Comment: In summary, the available evidence is currently insufficient to determine the role of this variant in disease. Therefore, it has been classified as a Variant of Uncertain Significance. Algorithms developed to predict the effect of missense changes on protein structure and function are either unavailable or do not agree on the potential impact of this missense change (SIFT: "Deleterious"; PolyPhen-2: "Benign"; Align-GVGD: "Class C35"). This variant has not been reported in the literature in individuals affected with GFAP-related conditions. This variant is present in population databases (no rsID available, gnomAD 0.003%). This sequence change replaces glutamic acid, which is acidic and polar, with aspartic acid, which is acidic and polar, at codon 273 of the GFAP protein (p.Glu273Asp).